The following is an entry in ClinVar:

ClinVar aggregate classification (germline): Uncertain significance (1 of 4 stars; one submission).

Conditions:
Amelocerebrohypohidrotic syndrome (KTZS). Also called: Kohlschutter's syndrome; KOHLSCHUTTER SYNDROME; EPILEPSY AND YELLOW TEETH; EPILEPSY, DEMENTIA, AND AMELOGENESIS IMPERFECTA. Identifiers: Orphanet 1946, MedGen C0406740, MONDO:0009185, OMIM 226750.

Allele frequency attached by ClinVar (database versions not stated): gnomAD exomes below 0.00001; gnomAD 0.00001.
gnomAD v4.1: 3 of 1,613,402 alleles (0.00019%); highest among the groups gnomAD compares: Non-Finnish European, 0.00025%; no homozygotes.

Submission:

Labcorp Genetics (formerly Invitae), Labcorp
Classification: Uncertain significance for Amelocerebrohypohidrotic syndrome. Last evaluated: 2022-08-23. Review status: criteria provided, single submitter. Criteria: Invitae Variant Classification Sherloc (09022015). Collection method: clinical testing. Allele origin: germline.
Comment: This variant has not been reported in the literature in individuals affected with ROGDI-related conditions. This variant is present in population databases (no rsID available, gnomAD 0.0009%). This sequence change replaces tyrosine, which is neutral and polar, with serine, which is neutral and polar, at codon 125 of the ROGDI protein (p.Tyr125Ser). ClinVar contains an entry for this variant (Variation ID: 1023824). Algorithms developed to predict the effect of missense changes on protein structure and function (SIFT, PolyPhen-2, Align-GVGD) all suggest that this variant is likely to be tolerated. In summary, the available evidence is currently insufficient to determine the role of this variant in disease. Therefore, it has been classified as a Variant of Uncertain Significance.

NM_024589.3(ROGDI):c.374A>C (p.Tyr125Ser)

Gene: ROGDI (rogdi atypical leucine zipper; minus strand). Cytogenetic location: 16p13.3.
Variant type: single nucleotide variant.
Coding change: c.374A>C on transcript NM_024589.3 (MANE Select); coding-DNA position 374, A replaced by C.
Protein change: p.Tyr125Ser; replaces tyrosine 125 with serine.
Molecular consequence: missense variant. On other transcripts: non-coding transcript variant (1).
Genome position (GRCh38, 1-based): chr16:4,799,744, T>G on the plus strand (A>C on the coding strand, the complement: ROGDI is on the minus strand). VCF-style: chr16-4799744-T-G. GRCh37 (hg19) VCF-style: chr16-4849745-T-G.
Other names: short protein forms Y125S.
Identifiers: ClinVar variation 1023824 (VCV001023824.6), dbSNP rs1190821261, ClinGen allele CA394653459.